The following is an entry in ClinVar:

ClinVar aggregate classification (germline): Likely pathogenic (1 of 4 stars; one submission).

Conditions:
GLUT1 deficiency syndrome 1, autosomal recessive. Identifiers: MedGen C3149117.

Submission:

Labcorp Genetics (formerly Invitae), Labcorp
Classification: Likely pathogenic for GLUT1 deficiency syndrome 1, autosomal recessive. Last evaluated: 2024-03-21. Review status: criteria provided, single submitter. Criteria: Invitae Variant Classification Sherloc (09022015). Collection method: clinical testing. Allele origin: germline.
Comment: This sequence change replaces tyrosine, which is neutral and polar, with aspartic acid, which is acidic and polar, at codon 293 of the SLC2A1 protein (p.Tyr293Asp). This variant is not present in population databases (gnomAD no frequency). This variant has not been reported in the literature in individuals affected with SLC2A1-related conditions. Advanced modeling of protein sequence and biophysical properties (such as structural, functional, and spatial information, amino acid conservation, physicochemical variation, residue mobility, and thermodynamic stability) performed at Invitae indicates that this missense variant is expected to disrupt SLC2A1 protein function with a positive predictive value of 95%. This variant disrupts the p.Tyr293 amino acid residue in SLC2A1. Other variant(s) that disrupt this residue have been determined to be pathogenic (Invitae). This suggests that this residue is clinically significant, and that variants that disrupt this residue are likely to be disease-causing. In summary, the currently available evidence indicates that the variant is pathogenic, but additional data are needed to prove that conclusively. Therefore, this variant has been classified as Likely Pathogenic.

NM_006516.4(SLC2A1):c.877T>G (p.Tyr293Asp)

Gene: SLC2A1 (solute carrier family 2 member 1; minus strand). Cytogenetic location: 1p34.2.
Variant type: single nucleotide variant.
Coding change: c.877T>G on transcript NM_006516.4 (MANE Select); coding-DNA position 877, T replaced by G.
Protein change: p.Tyr293Asp; replaces tyrosine 293 with aspartic acid.
Molecular consequence: missense variant.
Genome position (GRCh38, 1-based): chr1:42,929,305, A>C on the plus strand (T>G on the coding strand, the complement: SLC2A1 is on the minus strand). VCF-style: chr1-42929305-A-C. GRCh37 (hg19) VCF-style: chr1-43394976-A-C.
Other names: short protein forms Y293D.
Identifiers: ClinVar variation 3633549 (VCV003633549.2).